The following is an entry in ClinVar:

ClinVar aggregate classification (germline): Likely pathogenic (1 of 4 stars; one submission).

Conditions:
Wilson disease (WND). Also called: Wilson's disease. Identifiers: Orphanet 905, MedGen C0019202, MONDO:0010200, OMIM 277900. Disease mechanism: loss of function.

Allele frequency attached by ClinVar (database versions not stated): gnomAD exomes below 0.00001.
gnomAD v4.1: 1 of 1,614,196 alleles (0.000062%); highest among the groups gnomAD compares: Non-Finnish European, 0.000085%; no homozygotes.

Submission:

Labcorp Genetics (formerly Invitae), Labcorp
Classification: Likely pathogenic for Wilson disease. Last evaluated: 2021-08-14. Review status: criteria provided, single submitter. Criteria: Invitae Variant Classification Sherloc (09022015). Collection method: clinical testing. Allele origin: germline.
Comment: In summary, the currently available evidence indicates that the variant is pathogenic, but additional data are needed to prove that conclusively. Therefore, this variant has been classified as Likely Pathogenic. This variant disrupts the p.Val1146 amino acid residue in ATP7B. Other variant(s) that disrupt this residue have been determined to be pathogenic (PMID: 9671269, 26752957). This suggests that this residue is clinically significant, and that variants that disrupt this residue are likely to be disease-causing. Advanced modeling of protein sequence and biophysical properties (such as structural, functional, and spatial information, amino acid conservation, physicochemical variation, residue mobility, and thermodynamic stability) performed at Invitae indicates that this missense variant is expected to disrupt ATP7B protein function. This variant has not been reported in the literature in individuals affected with ATP7B-related conditions. This variant is not present in population databases (ExAC no frequency). This sequence change replaces valine with alanine at codon 1146 of the ATP7B protein (p.Val1146Ala). The valine residue is highly conserved and there is a small physicochemical difference between valine and alanine.

Literature cited by the submitters: PubMed 9671269; PubMed 26752957.

NM_000053.4(ATP7B):c.3437T>C (p.Val1146Ala)

Gene: ATP7B (ATPase copper transporting beta; minus strand). Cytogenetic location: 13q14.3.
Variant type: single nucleotide variant.
Coding change: c.3437T>C on transcript NM_000053.4 (MANE Select); coding-DNA position 3437, T replaced by C.
Protein change: p.Val1146Ala; replaces valine 1146 with alanine.
Molecular consequence: missense variant.
Genome position (GRCh38, 1-based): chr13:51,941,200, A>G on the plus strand (T>C on the coding strand, the complement: ATP7B is on the minus strand). VCF-style: chr13-51941200-A-G. GRCh37 (hg19) VCF-style: chr13-52515336-A-G.
Other names: c.2816T>C, p.Val939Ala (NM_001005918.3); c.3104T>C, p.Val1035Ala (NM_001243182.2); c.3203T>C, p.Val1068Ala (NM_001330578.2); c.3185T>C, p.Val1062Ala (NM_001330579.2); short protein forms V939A, V1146A, V1062A, V1035A, V1068A.
Identifiers: ClinVar variation 1484260 (VCV001484260.6), dbSNP rs2138787759, ClinGen allele CA388026713.